The following is an entry in ClinVar:

ClinVar aggregate classification (germline): Likely pathogenic. Review status: criteria provided, multiple submitters, no conflicts (2 of 4 stars). 2 submissions from 2 submitters: Likely pathogenic (2). Last evaluated 2026-03-05.

Conditions:
Kabuki syndrome 2 (KABUK2). Also called: KDM6A-Related Kabuki Syndrome. Identifiers: Orphanet 2322, MedGen C3275495, MONDO:0010465, OMIM 300867.

Submissions (2):

Broad Center for Mendelian Genomics, Broad Institute of MIT and Harvard
Classification: Likely pathogenic for Kabuki syndrome 2. Last evaluated: 2026-03-05. Review status: criteria provided, single submitter. Criteria: ACMG Guidelines, 2015. Collection method: research. Allele origin: germline. Inheritance: Autosomal dominant inheritance. Study: GREGoR Consortium.
Comment: It was absent from large population studies. A computational prediction tool, SpliceAI, predicts incorporation of a pseudoexon leading to frameshift and the introduction of a premature stop codon, which would then lead to an abnormal or absent protein. Sequencing of RNA extracted from blood from the individual carrying this variant suggests that 163bp of intronic sequence, including a premature stop codon, is incorporated into the mature transcript (Broad Institute Rare Genomes Project). Loss of function of the KDM6A gene is an established disease mechanism in autosomal dominant Kabuki syndrome. In summary, although additional studies are required to fully establish its clinical significance, this variant meets criteria to be classified as likely pathogenic for autosomal dominant Kabuki syndrome. ACMG/AMP Criteria applied: PVSl_Moderate, PS2, PM2_supporting.

Laboratory for Molecular Medicine, Mass General Brigham Personalized Medicine
Classification: Likely pathogenic for Kabuki syndrome 2. Last evaluated: 2024-04-04. Review status: criteria provided, single submitter. Criteria: ACMG Guidelines, 2015. Collection method: clinical testing. Allele origin: germline. Inheritance: Autosomal dominant inheritance.
Comment: It was absent from large population studies. A computational prediction tool, SpliceAI, predicts incorporation of a pseudoexon leading to frameshift and the introduction of a premature stop codon, which would then lead to an abnormal or absent protein. Sequencing of RNA extracted from blood from the individual carrying this variant suggests that 163bp of intronic sequence, including a premature stop codon, is incorporated into the mature transcript (Broad Institute Rare Genomes Project). Loss of function of the KDM6A gene is an established disease mechanism in autosomal dominant Kabuki syndrome. In summary, although additional studies are required to fully establish its clinical significance, this variant meets criteria to be classified as likely pathogenic for autosomal dominant Kabuki syndrome. ACMG/AMP Criteria applied: PVS1_Moderate, PS2, PM2_supporting.

NM_001291415.2(KDM6A):c.385-6049_385-6047del

Gene: KDM6A (lysine demethylase 6A; plus strand). Cytogenetic location: Xp11.3.
Variant type: Deletion.
Coding change: c.385-6049_385-6047del on transcript NM_001291415.2 (MANE Select); 6049 bases into the intron before coding-DNA position 385 through 6047 bases into the intron before coding-DNA position 385, 3 bases deleted (CCT; older notation c.385-6049_385-6047delCCT).
Molecular consequence: intron variant.
Genome position (GRCh38, 1-based): chrX:45,004,912-45,004,914, CCT deleted; deleting any 3 consecutive bases within chrX:45,004,911-45,004,914 gives the same sequence; the c. name uses the placement nearest the transcript's 3' end. VCF-style (leftmost placement, unchanged base first): chrX-45004910-GTCC-G. GRCh37 (hg19) VCF-style: chrX-44864155-GTCC-G.
Other names: NR_111960.2:n.749-6049_749-6047del; c.385-6049_385-6047del (NM_001419809.1, NM_001419810.1, NM_001419813.1 and 9 more transcripts); c.-248-6049_-248-6047del (NM_001291421.2).
Identifiers: ClinVar variation 3075972 (VCV003075972.2), dbSNP rs2521468886, ClinGen allele CA2740090006.